The following is an entry in ClinVar:

ClinVar aggregate classification (germline): Uncertain significance (1 of 4 stars; one submission).

Submission:

Labcorp Genetics (formerly Invitae), Labcorp
Classification: Uncertain significance. Last evaluated: 2024-10-22. Review status: criteria provided, single submitter. Criteria: Invitae Variant Classification Sherloc (09022015). Collection method: clinical testing. Allele origin: germline.
Comment: This sequence change replaces histidine, which is basic and polar, with asparagine, which is neutral and polar, at codon 702 of the ANKZF1 protein (p.His702Asn). This variant is not present in population databases (gnomAD no frequency). This variant has not been reported in the literature in individuals affected with ANKZF1-related conditions. An algorithm developed to predict the effect of missense changes on protein structure and function (PolyPhen-2) suggests that this variant is likely to be tolerated. In summary, the available evidence is currently insufficient to determine the role of this variant in disease. Therefore, it has been classified as a Variant of Uncertain Significance.

NM_018089.3(ANKZF1):c.2104C>A (p.His702Asn)

Gene: ANKZF1 (ankyrin repeat and zinc finger peptidyl tRNA hydrolase 1; plus strand). Cytogenetic location: 2q35.
Variant type: single nucleotide variant.
Coding change: c.2104C>A on transcript NM_018089.3 (MANE Select); coding-DNA position 2104, C replaced by A.
Protein change: p.His702Asn; replaces histidine 702 with asparagine.
Molecular consequence: missense variant.
Genome position (GRCh38, 1-based): chr2:219,236,368, C>A. VCF-style: chr2-219236368-C-A. GRCh37 (hg19) VCF-style: chr2-220101090-C-A.
Other names: c.2104C>A, p.His702Asn (NM_001042410.2); c.1474C>A, p.His492Asn (NM_001282792.2); short protein forms H492N, H702N.
Identifiers: ClinVar variation 2758907 (VCV002758907.3), dbSNP rs760158959, ClinGen allele CA2121316.